The following is an entry in ClinVar:

ClinVar aggregate classification (germline): Uncertain significance. Review status: criteria provided, multiple submitters, no conflicts (2 of 4 stars). 3 submissions from 3 submitters: Uncertain significance (3). Last evaluated 2025-11-28.

Conditions:
Congenital myasthenic syndrome 4A. Also called: Myasthenic syndrome, congenital, 4a, slow-channel; CONGENITAL MYASTHENIC SYNDROME TYPE Ia1; MYASTHENIC SYNDROME, CONGENITAL, 4A, SLOW-CHANNEL, AUTOSOMAL RECESSIVE. Identifiers: Orphanet 590, MedGen C4225413, MONDO:0011600, OMIM 605809.
Inborn genetic diseases. Identifiers: MedGen C0950123, MeSH D030342.

Allele frequency attached by ClinVar (database versions not stated): gnomAD 0.00004; ExAC 0.00005.
gnomAD v4.1: 174 of 1,612,778 alleles (0.011%); highest among the groups gnomAD compares: Non-Finnish European, 0.014%; no homozygotes.

Submissions (3):

Labcorp Genetics (formerly Invitae), Labcorp
Classification: Uncertain significance for Congenital myasthenic syndrome 4A. Last evaluated: 2025-11-28. Review status: criteria provided, single submitter. Criteria: Invitae Variant Classification Sherloc (09022015). Collection method: clinical testing. Allele origin: germline.
Comment: This sequence change replaces glycine, which is neutral and non-polar, with serine, which is neutral and polar, at codon 224 of the CHRNE protein (p.Gly224Ser). This variant is present in population databases (rs531123327, gnomAD 0.02%). This variant has not been reported in the literature in individuals affected with CHRNE-related conditions. ClinVar contains an entry for this variant (Variation ID: 2043029). Invitae Evidence Modeling of protein sequence and biophysical properties (such as structural, functional, and spatial information, amino acid conservation, physicochemical variation, residue mobility, and thermodynamic stability) indicates that this missense variant is not expected to disrupt CHRNE protein function with a negative predictive value of 95%. In summary, the available evidence is currently insufficient to determine the role of this variant in disease. Therefore, it has been classified as a Variant of Uncertain Significance.

Ambry Genetics
Classification: Uncertain significance for Inborn genetic diseases. Last evaluated: 2021-12-03. Review status: criteria provided, single submitter. Criteria: Ambry Variant Classification Scheme 2023. Collection method: clinical testing. Allele origin: germline.

Revvity Omics, Revvity
Classification: Uncertain significance. Last evaluated: 2020-08-06. Review status: criteria provided, single submitter. Criteria: ACMG Guidelines, 2015. Collection method: clinical testing. Allele origin: germline.

NM_000080.4(CHRNE):c.670G>A (p.Gly224Ser)

Genes: CHRNE (cholinergic receptor nicotinic epsilon subunit; minus strand), C17orf107 (chromosome 17 open reading frame 107; plus strand). Cytogenetic location: 17p13.2.
Variant type: single nucleotide variant.
Coding change: c.670G>A on transcript NM_000080.4 (MANE Select); coding-DNA position 670, G replaced by A.
Protein change: p.Gly224Ser; replaces glycine 224 with serine.
Molecular consequence: missense variant. On other transcripts: 3 prime UTR variant (1).
Genome position (GRCh38, 1-based): chr17:4,901,122, C>T on the plus strand (G>A on the coding strand, the complement: CHRNE is on the minus strand). VCF-style: chr17-4901122-C-T. GRCh37 (hg19) VCF-style: chr17-4804417-C-T.
Other names: c.*589C>T (NM_001145536.2); short protein forms G224S.
Identifiers: ClinVar variation 2043029 (VCV002043029.6), dbSNP rs531123327, ClinGen allele CA8314291.